The following is an entry in ClinVar:

ClinVar aggregate classification (germline): Uncertain significance. Review status: criteria provided, multiple submitters, no conflicts (2 of 4 stars). 5 submissions from 5 submitters: Uncertain significance (5). Last evaluated 2026-01-12.

Conditions:
Smith-Lemli-Opitz syndrome (SLOS). Also called: 7-Dehydrocholesterol reductase deficiency; LETHAL ACRODYSGENITAL SYNDROME; POLYDACTYLY, SEX REVERSAL, RENAL HYPOPLASIA, AND UNILOBAR LUNG; RSH SYNDROME; RUTLEDGE LETHAL MULTIPLE CONGENITAL ANOMALY SYNDROME. Identifiers: Orphanet 818, MedGen C0175694, MONDO:0010035, OMIM 270400.
Inborn genetic diseases. Identifiers: MedGen C0950123, MeSH D030342.

Allele frequency attached by ClinVar (database versions not stated): TOPMed 0.00003; gnomAD 0.00012; 1000 Genomes Project 30x 0.00016; 1000 Genomes Project 0.00020; ExAC 0.00030.

Submissions (5):

Labcorp Genetics (formerly Invitae), Labcorp
Classification: Uncertain significance for Smith-Lemli-Opitz syndrome. Last evaluated: 2026-01-12. Review status: criteria provided, single submitter. Criteria: Invitae Variant Classification Sherloc (09022015). Collection method: clinical testing. Allele origin: germline.
Comment: This sequence change replaces arginine, which is basic and polar, with histidine, which is basic and polar, at codon 363 of the DHCR7 protein (p.Arg363His). This variant is present in population databases (rs200539324, gnomAD 0.07%). This variant has not been reported in the literature in individuals affected with DHCR7-related conditions. ClinVar contains an entry for this variant (Variation ID: 883581). Invitae Evidence Modeling of protein sequence and biophysical properties (such as structural, functional, and spatial information, amino acid conservation, physicochemical variation, residue mobility, and thermodynamic stability) has been performed for this missense variant. However, the output from this modeling did not meet the statistical confidence thresholds required to predict the impact of this variant on DHCR7 protein function. In summary, the available evidence is currently insufficient to determine the role of this variant in disease. Therefore, it has been classified as a Variant of Uncertain Significance.

GeneDx
Classification: Uncertain significance. Last evaluated: 2024-11-08. Review status: criteria provided, single submitter. Criteria: GeneDx Variant Classification Process June 2021. Collection method: clinical testing. Allele origin: germline. Affected: yes.
Comment: Identified in a patient with autism from a large cohort study, however, additional clinical information or mention of a second DHCR7 variant was not provided (PMID: 28250423); In silico analysis supports that this missense variant has a deleterious effect on protein structure/function; This variant is associated with the following publications: (PMID: 29300326, 24813812, 28250423)

Fulgent Genetics
Classification: Uncertain significance for Smith-Lemli-Opitz syndrome. Last evaluated: 2021-11-22. Review status: criteria provided, single submitter. Criteria: ACMG Guidelines, 2015. Collection method: clinical testing. Allele origin: unknown.

Ambry Genetics
Classification: Uncertain significance for Inborn genetic diseases. Last evaluated: 2020-05-04. Review status: criteria provided, single submitter. Criteria: Ambry Variant Classification Scheme 2023. Collection method: clinical testing. Allele origin: germline.
Comment: The p.R363H variant (also known as c.1088G>A), located in coding exon 7 of the DHCR7 gene, results from a G to A substitution at nucleotide position 1088. The arginine at codon 363 is replaced by histidine, an amino acid with highly similar properties. This alteration has been reported in an autism spectrum disorder cohort and a whole exome sequencing cohort (Cross JL et al. Clin. Genet., 2015 Jun;87:570-5; Saskin A et al. J. Hum. Genet., 2017 Jun;62:657-659). This amino acid position is highly conserved in available vertebrate species. In addition, this alteration is predicted to be deleterious by in silico analysis. Since supporting evidence is limited at this time, the clinical significance of this alteration remains unclear.

Illumina Laboratory Services, Illumina
Classification: Uncertain significance for Smith-Lemli-Opitz syndrome. Last evaluated: 2017-08-17. Review status: criteria provided, single submitter. Criteria: ICSL Variant Classification Criteria 13 December 2019. Collection method: clinical testing. Allele origin: germline.
Comment: This variant was observed as part of a predisposition screen in an ostensibly healthy population. A literature search was performed for the gene, cDNA change, and amino acid change (where applicable). Publications were found based on this search. However, the evidence from the literature, in combination with allele frequency data from public databases where available, was not sufficient to rule this variant in or out of causing disease. Therefore, this variant is classified as a variant of unknown significance.

Literature cited by the submitters: PubMed 24813812 (cited by Ambry Genetics and Illumina Laboratory Services, Illumina); PubMed 28250423 (cited by Ambry Genetics).

NM_001360.3(DHCR7):c.1088G>A (p.Arg363His)

Gene: DHCR7 (7-dehydrocholesterol reductase; minus strand). Cytogenetic location: 11q13.4.
Variant type: single nucleotide variant.
Coding change: c.1088G>A on transcript NM_001360.3 (MANE Select); coding-DNA position 1088, G replaced by A.
Protein change: p.Arg363His; replaces arginine 363 with histidine.
Molecular consequence: missense variant.
Genome position (GRCh38, 1-based): chr11:71,435,715, C>T on the plus strand (G>A on the coding strand, the complement: DHCR7 is on the minus strand). VCF-style: chr11-71435715-C-T. GRCh37 (hg19) VCF-style: chr11-71146761-C-T.
Other names: c.1088G>A, p.Arg363His (NM_001163817.2); short protein forms R363H.
Identifiers: ClinVar variation 883581 (VCV000883581.11), dbSNP rs200539324, ClinGen allele CA6162315.
Genomic context (GRCh38, chr11:71,435,715, plus strand): 5'-GTGTAGGAGCACTCGATGACCTTGGGCTTCCTGCCCCAGATGAGGCAGCGCCCATCCGTG[C>T]GGCGGAACAGGTCCTTCTGGTGGTTGGCCACCCGGAAGATGTAGTAGCCCACCAGGCCCA-3'
Protein context (NP_001351.2, residues 353-373): VANHQKDLFR[Arg363His]TDGRCLIWGR